The following is an entry in ClinVar:

NM_016122.3(CEP83):c.284TAG[1] (p.Val96del)

Gene: CEP83 (centrosomal protein 83; minus strand). Cytogenetic location: 12q22.
Variant type: Microsatellite.
Coding change: c.284TAG[1] on transcript NM_016122.3 (MANE Select); one copy of the 3-base unit TAG starting at c.284; the reference has two copies in a row; one copy, 3 bases deleted.
Protein change: p.Val96del; deletes valine 96.
Molecular consequence: inframe deletion. On other transcripts: 5 prime UTR variant (6), non-coding transcript variant (3).
Genome position (GRCh38, 1-based): chr12:94,411,732-94,411,734, CTA deleted on the plus strand (TAG on the coding strand, the reverse complement: CEP83 is on the minus strand); deleting any 3 consecutive bases within chr12:94,411,732-94,411,737 gives the same sequence; the position shown is the placement nearest the transcript's 3' end. VCF-style (leftmost placement, unchanged base first): chr12-94411731-TCTA-T. GRCh37 (hg19) VCF-style: chr12-94805507-TCTA-T.
Other names: c.284TAG[1], p.Val96del (NM_001042399.2, NM_001346457.2, NM_001346460.2 and 4 more transcripts); c.-29TAG[1] (NM_001346458.2, NM_001346459.2, NM_001346462.2 and 3 more transcripts); short protein forms V96del.
Identifiers: ClinVar variation 1062609 (VCV001062609.9), dbSNP rs1472544597, ClinGen allele CA606981516.

ClinVar aggregate classification (germline): Uncertain significance (1 of 4 stars; one submission).

Conditions:
Nephronophthisis 18 (NPHP18). Identifiers: Orphanet 655, MedGen C3890591, MONDO:0014374, OMIM 615862.

Submission:

Labcorp Genetics (formerly Invitae), Labcorp
Classification: Uncertain significance for Nephronophthisis 18. Last evaluated: 2024-02-26. Review status: criteria provided, single submitter. Criteria: Invitae Variant Classification Sherloc (09022015). Collection method: clinical testing. Allele origin: germline.
Comment: This variant, c.287_289del, results in the deletion of 1 amino acid(s) of the CEP83 protein (p.Val96del), but otherwise preserves the integrity of the reading frame. This variant is present in population databases (no rsID available, gnomAD 0.02%). This variant has not been reported in the literature in individuals affected with CEP83-related conditions. Experimental studies and prediction algorithms are not available or were not evaluated, and the functional significance of this variant is currently unknown. In summary, the available evidence is currently insufficient to determine the role of this variant in disease. Therefore, it has been classified as a Variant of Uncertain Significance.